The following is an entry in ClinVar:

ClinVar aggregate classification (germline): Benign/Likely benign. Review status: criteria provided, multiple submitters, no conflicts (2 of 4 stars). 5 submissions from 5 submitters: Benign (2); Likely benign (3). Last evaluated 2026-06-01.

Conditions:
Holoprosencephaly sequence (HPE). Also called: Holoprosencephaly. Identifiers: Orphanet 2162, MedGen C0079541, MONDO:0016296, HP:0001360.

Allele frequency attached by ClinVar (database versions not stated): ESP Exome Variant Server 0.00008; 1000 Genomes Project 30x 0.00016; 1000 Genomes Project 0.00020; gnomAD 0.00036 and 0.00038; TOPMed 0.00043; gnomAD exomes 0.00045 and 0.00058; ExAC 0.00080.

Submissions (5):

CeGaT Center for Human Genetics Tuebingen
Classification: Likely benign. Last evaluated: 2026-06-01. Review status: criteria provided, single submitter. Criteria: CeGaT Center For Human Genetics Tuebingen Variant Classification Criteria Version 2. Collection method: clinical testing. Allele origin: germline. Affected: yes. Observed: 1 variant allele.
Comment: FOXH1: BP4, BP7

Labcorp Genetics (formerly Invitae), Labcorp
Classification: Benign for Holoprosencephaly sequence. Last evaluated: 2025-04-21. Review status: criteria provided, single submitter. Criteria: Invitae Variant Classification Sherloc (09022015). Collection method: clinical testing. Allele origin: germline.

ARUP Laboratories, Molecular Genetics and Genomics, ARUP Laboratories
Classification: Likely benign. Last evaluated: 2021-01-20. Review status: criteria provided, single submitter. Criteria: ARUP Molecular Germline Variant Investigation Process 2021. Collection method: clinical testing. Allele origin: germline.

Illumina Laboratory Services, Illumina
Classification: Benign for Holoprosencephaly sequence. Last evaluated: 2018-01-13. Review status: criteria provided, single submitter. Criteria: ICSL Variant Classification Criteria 13 December 2019. Collection method: clinical testing. Allele origin: germline.
Comment: This variant was observed in the ICSL laboratory as part of a predisposition screen in an ostensibly healthy population. It had not been previously curated by ICSL or reported in the Human Gene Mutation Database (HGMD: prior to June 1st, 2018), and was therefore a candidate for classification through an automated scoring system. Utilizing variant allele frequency, disease prevalence and penetrance estimates, and inheritance mode, an automated score was calculated to assess if this variant is too frequent to cause the disease. Based on the score and internal cut-off values, a variant classified as benign is not then subjected to further curation. The score for this variant resulted in a classification of benign for this disease.

PreventionGenetics, part of Exact Sciences
Classification: Likely benign. Review status: criteria provided, single submitter. Criteria: ACMG Guidelines, 2015. Collection method: clinical testing. Allele origin: germline.

NM_003923.3(FOXH1):c.361C>A (p.Arg121=)

Gene: FOXH1 (forkhead box H1; minus strand). Cytogenetic location: 8q24.3.
Variant type: single nucleotide variant.
Coding change: c.361C>A on transcript NM_003923.3 (MANE Select); coding-DNA position 361, C replaced by A.
Protein change: p.Arg121=; no amino-acid change (arginine 121 retained).
Molecular consequence: synonymous variant.
Genome position (GRCh38, 1-based): chr8:144,474,975, G>T on the plus strand (C>A on the coding strand, the complement: FOXH1 is on the minus strand). VCF-style: chr8-144474975-G-T. GRCh37 (hg19) VCF-style: chr8-145700358-G-T.
Identifiers: ClinVar variation 239585 (VCV000239585.21), dbSNP rs371301968, ClinGen allele CA4945566.